The following is an entry in ClinVar:

NM_130837.3(OPA1):c.2179-39T>C

Gene: OPA1 (OPA1 mitochondrial dynamin like GTPase; plus strand). Cytogenetic location: 3q29.
Variant type: single nucleotide variant.
Coding change: c.2179-39T>C on transcript NM_130837.3 (MANE Select); 39 bases into the intron before coding-DNA position 2179, T replaced by C.
Molecular consequence: intron variant.
Genome position (GRCh38, 1-based): chr3:193,657,041, T>C. VCF-style: chr3-193657041-T-C. GRCh37 (hg19) VCF-style: chr3-193374830-T-C.
Other names: c.1642-39T>C (NM_001354664.2); c.1645-39T>C (NM_001354663.2); c.2068-39T>C (NM_130834.3); c.2125-39T>C (NM_130836.3); c.2014-39T>C (NM_015560.3); c.2071-39T>C (NM_130835.3); c.1960-39T>C (NM_130832.3); c.2017-39T>C (NM_130833.3); and 1 more.
Identifiers: ClinVar variation 3053628 (VCV003053628.3), dbSNP rs376525998, ClinGen allele CA2759598.

ClinVar aggregate classification (germline): Likely benign. Review status: criteria provided, single submitter (1 of 4 stars). 2 submissions from 2 submitters: Likely benign (1). 1 of the submissions does not count toward it. Last evaluated 2023-09-30.

Conditions:
OPA1-related disorder. Also called: OPA1-related condition; OPA1-related disorders.

Allele frequency attached by ClinVar (database versions not stated): gnomAD exomes 0.00001; ExAC 0.00004; TOPMed 0.00009; gnomAD 0.00013; 1000 Genomes Project 0.00020; ESP Exome Variant Server 0.00023; 1000 Genomes Project 30x 0.00031.
gnomAD v4.1: 34 of 1,557,022 alleles (0.0022%); highest among the groups gnomAD compares: African/African-American, 0.045%; no homozygotes.

Submissions (2):

Blueprint Genetics
Classification: Likely benign. Last evaluated: 2023-09-30. Review status: criteria provided, single submitter. Criteria: ACMG Guidelines, 2015. Collection method: clinical testing. Allele origin: germline.

PreventionGenetics, part of Exact Sciences
Classification: Likely benign for OPA1-related condition. Last evaluated: 2019-08-20. Review status: no assertion criteria provided. Collection method: clinical testing. Allele origin: germline. Not counted in ClinVar's aggregate classification.
Comment: This variant is classified as likely benign based on ACMG/AMP sequence variant interpretation guidelines (Richards et al. 2015 PMID: 25741868, with internal and published modifications).